The following is an entry in ClinVar:

ClinVar aggregate classification (germline): Likely benign. Review status: reviewed by expert panel (3 of 4 stars). 3 submissions from 3 submitters: Likely benign (1). 2 of the submissions do not count toward it. Last evaluated 2026-05-04.

Conditions:
Inborn genetic diseases. Identifiers: MedGen C0950123, MeSH D030342.
Hereditary thrombocytopenia and hematological cancer predisposition syndrome associated with RUNX1. Also called: Familial Platelet Disorder with Propensity to Acute Myelogenous Leukemia; Familial thrombocytopenia with propensity to acute myelogenous leukemia; PLATELET DISORDER, ASPIRIN-LIKE; RUNX1 Familial Platelet Disorder with Associated Myeloid Malignancies. Identifiers: Orphanet 71290, MedGen C1832388, MeSH C563324, MONDO:0100083, OMIM 601399.
Hereditary thrombocytopenia and hematologic cancer predisposition syndrome. Identifiers: Orphanet 71290, MedGen CN281654, MONDO:0011071.

Allele frequency attached by ClinVar (database versions not stated): TOPMed below 0.00001; gnomAD 0.00001.

Submissions (3):

ClinGen Myeloid Malignancy Variant Curation Expert Panel
Classification: Likely benign for Hereditary thrombocytopenia and hematologic cancer predisposition syndrome. Last evaluated: 2026-05-04. Review status: reviewed by expert panel. Criteria: ClinGen MyeloMalig ACMG Specifications V3.1. Collection method: curation. Allele origin: germline. Inheritance: Autosomal dominant inheritance.
Comment: NM_001754.5(RUNX1):c.126G>A (p.Pro42=) is a synonymous variant which has a SpliceAI score ≤ 0.20 (0.01) (BP4, BP7). This variant is completely absent from all population databases with at least 20x coverage for RUNX1 (PM2_supporting). In summary, this variant meets criteria to be classified as likely benign. ACMG/AMP criteria applied, as specified by the Myeloid Malignancy Variant Curation Expert Panel for RUNX1: BP4, BP7, PM2_supporting.

Ambry Genetics
Classification: Likely benign for Inborn genetic diseases. Last evaluated: 2025-07-28. Review status: criteria provided, single submitter. Criteria: Ambry Variant Classification Scheme 2023. Collection method: clinical testing. Allele origin: germline. Not counted in ClinVar's aggregate classification.

Labcorp Genetics (formerly Invitae), Labcorp
Classification: Likely benign for Hereditary thrombocytopenia and hematological cancer predisposition syndrome associated with RUNX1. Last evaluated: 2023-01-25. Review status: criteria provided, single submitter. Criteria: Invitae Variant Classification Sherloc (09022015). Collection method: clinical testing. Allele origin: germline. Not counted in ClinVar's aggregate classification.

NM_001754.5(RUNX1):c.126G>A (p.Pro42=)

Gene: RUNX1 (RUNX family transcription factor 1; minus strand). Cytogenetic location: 21q22.12.
Variant type: single nucleotide variant.
Coding change: c.126G>A on transcript NM_001754.5 (MANE Select); coding-DNA position 126, G replaced by A.
Protein change: p.Pro42=; no amino-acid change (proline 42 retained).
Molecular consequence: synonymous variant.
Genome position (GRCh38, 1-based): chr21:34,887,068, C>T on the plus strand (G>A on the coding strand, the complement: RUNX1 is on the minus strand). VCF-style: chr21-34887068-C-T. GRCh37 (hg19) VCF-style: chr21-36259365-C-T.
Other names: NM_001754.5(RUNX1):c.126G>A; p.Pro42=; c.45G>A, p.Pro15= (NM_001001890.3, NM_001122607.2).
Identifiers: ClinVar variation 2831823 (VCV002831823.7), dbSNP rs1228331250, ClinGen allele CA512318982.